The following is an entry in ClinVar:

NC_000006.11:g.(?_137143759)_(137167329_?)del

Gene: PEX7 (peroxisomal biogenesis factor 7; plus strand). Cytogenetic location: 6q23.3.
Variant type: Deletion.
Identifiers: ClinVar variation 1457391 (VCV001457391.4).

ClinVar aggregate classification (germline): Pathogenic (1 of 4 stars; one submission).

Conditions:
Peroxisome biogenesis disorder 9B. Also called: PEX7-Related Refsum Disease; PEROXISOME BIOGENESIS DISORDER, PEX7-RELATED, ATYPICAL; Refsum disease, adult, 2. Identifiers: Orphanet 773, MedGen C2749346, MONDO:0013945, OMIM 614879.

Submission:

Labcorp Genetics (formerly Invitae), Labcorp
Classification: Pathogenic for Peroxisome biogenesis disorder 9B. Last evaluated: 2022-08-05. Review status: criteria provided, single submitter. Criteria: Invitae Variant Classification Sherloc (09022015). Collection method: clinical testing. Allele origin: germline.
Comment: This variant is a gross deletion of the genomic region encompassing exon(s) 1-5 of the PEX7 gene, which includes the initiator codon. This deletion extends beyond the assayed region for this gene and therefore may encompass additional genes. It is expected to result in an absent or disrupted protein product. Loss-of-function variants in PEX7 are known to be pathogenic (PMID: 12325024, 12522768, 20301447). This variant has not been reported in the literature in individuals affected with PEX7-related conditions. For these reasons, this variant has been classified as Pathogenic.

Literature cited by the submitters: PubMed 12325024; PubMed 12522768; PubMed 20301447.